The following is an entry in ClinVar:

ClinVar aggregate classification (germline): Pathogenic/Likely pathogenic. Review status: criteria provided, multiple submitters, no conflicts (2 of 4 stars). 2 submissions from 2 submitters: Pathogenic (1); Likely pathogenic (1). Last evaluated 2024-06-11.

Conditions:
Curry-Hall syndrome (WAD). Also called: WEYERS ACRODENTAL DYSOSTOSIS. Identifiers: Orphanet 952, MedGen C0457013, MONDO:0008673, OMIM 193530.
Ellis-van Creveld syndrome (EVC). Also called: EVC-Related Ellis-van Creveld Syndrome; EVC2-Related Ellis-van Creveld Syndrome; MESOECTODERMAL DYSPLASIA; Chondroectodermal dysplasia. Identifiers: Orphanet 289, MedGen C0013903, MONDO:0009162, OMIM 225500.

Allele frequency attached by ClinVar (database versions not stated): gnomAD 0.00001; TOPMed 0.00001.
gnomAD v4.1: 1 of 1,614,066 alleles (0.000062%); highest among the groups gnomAD compares: African/African-American, 0.0013%; no homozygotes.

Submissions (2):

Fulgent Genetics
Classification: Likely pathogenic for Curry-Hall syndrome; Ellis-van Creveld syndrome. Last evaluated: 2024-06-11. Review status: criteria provided, single submitter. Criteria: ACMG Guidelines, 2015. Collection method: clinical testing. Allele origin: germline.

Labcorp Genetics (formerly Invitae), Labcorp
Classification: Pathogenic for Curry-Hall syndrome; Ellis-van Creveld syndrome. Last evaluated: 2023-05-12. Review status: criteria provided, single submitter. Criteria: Invitae Variant Classification Sherloc (09022015). Collection method: clinical testing. Allele origin: germline.
Comment: For these reasons, this variant has been classified as Pathogenic. This variant has not been reported in the literature in individuals affected with EVC2-related conditions. This variant is not present in population databases (gnomAD no frequency). This sequence change creates a premature translational stop signal (p.Gly961*) in the EVC2 gene. It is expected to result in an absent or disrupted protein product. Loss-of-function variants in EVC2 are known to be pathogenic (PMID: 17024374, 19810119, 19876929).

Literature cited by the submitters: PubMed 17024374 (cited by Labcorp Genetics (formerly Invitae), Labcorp); PubMed 19810119 (cited by Labcorp Genetics (formerly Invitae), Labcorp); PubMed 19876929 (cited by Labcorp Genetics (formerly Invitae), Labcorp).

NM_147127.5(EVC2):c.2881G>T (p.Gly961Ter)

Gene: EVC2 (EvC ciliary complex subunit 2; minus strand). Cytogenetic location: 4p16.2.
Variant type: single nucleotide variant.
Coding change: c.2881G>T on transcript NM_147127.5 (MANE Select); coding-DNA position 2881, G replaced by T.
Protein change: p.Gly961Ter; replaces glycine 961 with a stop codon.
Molecular consequence: nonsense.
Genome position (GRCh38, 1-based): chr4:5,584,799, C>A on the plus strand (G>T on the coding strand, the complement: EVC2 is on the minus strand). VCF-style: chr4-5584799-C-A. GRCh37 (hg19) VCF-style: chr4-5586526-C-A.
Other names: c.2641G>T, p.Gly881Ter (NM_001166136.2); short protein forms G881*, G961*.
Identifiers: ClinVar variation 2928537 (VCV002928537.4), dbSNP rs1043590599, ClinGen allele CA91704247.